The following is an entry in ClinVar:

NM_015557.3(CHD5):c.2236G>T (p.Gly746Cys)

Gene: CHD5 (chromodomain helicase DNA binding protein 5; minus strand). Cytogenetic location: 1p36.31.
Variant type: single nucleotide variant.
Coding change: c.2236G>T on transcript NM_015557.3 (MANE Select); coding-DNA position 2236, G replaced by T.
Protein change: p.Gly746Cys; replaces glycine 746 with cysteine.
Molecular consequence: missense variant.
Genome position (GRCh38, 1-based): chr1:6,142,328, C>A on the plus strand (G>T on the coding strand, the complement: CHD5 is on the minus strand). VCF-style: chr1-6142328-C-A. GRCh37 (hg19) VCF-style: chr1-6202388-C-A.
Other names: short protein forms G746C.
Identifiers: ClinVar variation 4795742 (VCV004795742.1).

ClinVar aggregate classification (germline): Uncertain significance (1 of 4 stars; one submission).

Submission:

GeneDx
Classification: Uncertain significance. Last evaluated: 2025-08-12. Review status: criteria provided, single submitter. Criteria: GeneDx Variant Classification Process June 2021. Collection method: clinical testing. Allele origin: germline. Affected: yes.
Comment: Not observed at significant frequency in large population cohorts (gnomAD); In silico analysis supports that this missense variant has a deleterious effect on protein structure/function; Has not been previously published as pathogenic or benign to our knowledge